The following is an entry in ClinVar:

ClinVar aggregate classification (germline): Likely pathogenic (1 of 4 stars; one submission).

Submission:

GeneDx
Classification: Likely pathogenic. Last evaluated: 2016-10-10. Review status: criteria provided, single submitter. Criteria: GeneDx Variant Classification (06012015). Collection method: clinical testing. Allele origin: germline. Affected: yes.
Comment: The A1841P variant in the NSD1 gene has not been reported previously as a pathogenic variant, nor as a benign variant, to our knowledge. The A1841P variant was not observed in approximately 6500 individuals of European and African American ancestry in the NHLBI Exome Sequencing Project, indicating it is not a common benign variant in these populations. The A1841P variant is a semi-conservative amino acid substitution, which may impact secondary protein structure as these residues differ in some properties. This substitution occurs at a position that is conserved across species. In silico analysis predicts this variant is probably damaging to the protein structure/function. A missense variant in a nearby residue (L1838P) has been reported in the Human Gene Mutation Database in association with Sotos syndrome (Stenson et al., 2014), supporting the functional importance of this region of the protein. The A1841P variant is a strong candidate for a pathogenic variant

NM_022455.5(NSD1):c.5521G>C (p.Ala1841Pro)

Gene: NSD1 (nuclear receptor binding SET domain protein 1; plus strand). Cytogenetic location: 5q35.3.
Variant type: single nucleotide variant.
Coding change: c.5521G>C on transcript NM_022455.5 (MANE Select); coding-DNA position 5521, G replaced by C.
Protein change: p.Ala1841Pro; replaces alanine 1841 with proline.
Molecular consequence: missense variant.
Genome position (GRCh38, 1-based): chr5:177,273,683, G>C. VCF-style: chr5-177273683-G-C. GRCh37 (hg19) VCF-style: chr5-176700684-G-C.
Other names: c.4648G>C, p.Ala1550Pro (NM_001365684.2, NM_001409308.1, NM_001409309.1 and 1 more transcripts); c.5521G>C, p.Ala1841Pro (NM_001409301.1, NM_001409302.1, NM_001409303.1); c.5101G>C, p.Ala1701Pro (NM_001409304.1); c.4768G>C, p.Ala1590Pro (NM_001409305.1); c.4759G>C, p.Ala1587Pro (NM_001409306.1, NM_001409307.1); short protein forms A1841P, A1572P, A1590P, A1550P, A1587P, A1701P.
Identifiers: ClinVar variation 422343 (VCV000422343.2), dbSNP rs1064795720, ClinGen allele CA16618180.